The following is an entry in ClinVar:

NM_001103.4(ACTN2):c.1130G>A (p.Arg377Lys)

Gene: ACTN2 (actinin alpha 2; plus strand). Cytogenetic location: 1q43.
Variant type: single nucleotide variant.
Coding change: c.1130G>A on transcript NM_001103.4 (MANE Select); coding-DNA position 1130, G replaced by A.
Protein change: p.Arg377Lys; replaces arginine 377 with lysine.
Molecular consequence: missense variant.
Genome position (GRCh38, 1-based): chr1:236,742,918, G>A. VCF-style: chr1-236742918-G-A. GRCh37 (hg19) VCF-style: chr1-236906218-G-A.
Other names: c.1130G>A, p.Arg377Lys (NM_001278343.2); c.506G>A, p.Arg169Lys (NM_001278344.2); short protein forms R169K, R377K.
Identifiers: ClinVar variation 1401590 (VCV001401590.11), dbSNP rs1325419598, ClinGen allele CA345382034.

ClinVar aggregate classification (germline): Conflicting classifications of pathogenicity. Review status: criteria provided, conflicting classifications (1 of 4 stars). 2 submissions from 2 submitters: Uncertain significance (1); Likely benign (1). Last evaluated 2025-08-26.

Conditions:
Primary familial hypertrophic cardiomyopathy (HCM). Identifiers: Orphanet 99739, MedGen C0949658, MeSH D024741, MONDO:0024573. Inheritance: Various modes of inheritance.
Dilated cardiomyopathy 1AA (CMD1AA). Also called: Cardiomyopathy, dilated, 1AA, with or without LVNC; CARDIOMYOPATHY, DILATED, 1AA, WITH OR WITHOUT LEFT VENTRICULAR NONCOMPACTION; CARDIOMYOPATHY, FAMILIAL HYPERTROPHIC, 23, WITH OR WITHOUT LEFT VENTRICULAR NONCOMPACTION. Identifiers: Orphanet 154, MedGen C2677338, MONDO:0012808, OMIM 612158.
Cardiovascular phenotype. Identifiers: MedGen CN230736.

Allele frequency attached by ClinVar (database versions not stated): gnomAD exomes below 0.00001; TOPMed below 0.00001.
gnomAD v4.1: 2 of 1,614,218 alleles (0.00012%); highest among the groups gnomAD compares: African/African-American, 0.0013%; no homozygotes.

Submissions (2):

Labcorp Genetics (formerly Invitae), Labcorp
Classification: Likely benign for Primary familial hypertrophic cardiomyopathy; Dilated cardiomyopathy 1AA. Last evaluated: 2025-08-26. Review status: criteria provided, single submitter. Criteria: Invitae Variant Classification Sherloc (09022015). Collection method: clinical testing. Allele origin: germline.

Ambry Genetics
Classification: Uncertain significance for Cardiovascular phenotype. Last evaluated: 2020-04-29. Review status: criteria provided, single submitter. Criteria: Ambry Variant Classification Scheme 2023. Collection method: clinical testing. Allele origin: germline.
Comment: The p.R377K variant (also known as c.1130G>A), located in coding exon 11 of the ACTN2 gene, results from a G to A substitution at nucleotide position 1130. The arginine at codon 377 is replaced by lysine, an amino acid with highly similar properties. This amino acid position is not well conserved in available vertebrate species. In addition, this alteration is predicted to be tolerated by in silico analysis. Since supporting evidence is limited at this time, the clinical significance of this alteration remains unclear.